The following is an entry in ClinVar:

ClinVar aggregate classification (germline): Uncertain significance (1 of 4 stars; one submission).

Allele frequency attached by ClinVar (database versions not stated): TOPMed 0.00001; gnomAD 0.00002.
gnomAD v4.1: 3 of 1,612,710 alleles (0.00019%); highest among the groups gnomAD compares: African/African-American, 0.0013%; no homozygotes.

Submission:

Labcorp Genetics (formerly Invitae), Labcorp
Classification: Uncertain significance. Last evaluated: 2024-06-29. Review status: criteria provided, single submitter. Criteria: Invitae Variant Classification Sherloc (09022015). Collection method: clinical testing. Allele origin: germline.
Comment: This sequence change replaces asparagine, which is neutral and polar, with lysine, which is basic and polar, at codon 86 of the DUOX2 protein (p.Asn86Lys). This variant is present in population databases (no rsID available, gnomAD 0.01%). This variant has not been reported in the literature in individuals affected with DUOX2-related conditions. Advanced modeling of protein sequence and biophysical properties (such as structural, functional, and spatial information, amino acid conservation, physicochemical variation, residue mobility, and thermodynamic stability) performed at Invitae indicates that this missense variant is not expected to disrupt DUOX2 protein function with a negative predictive value of 80%. In summary, the available evidence is currently insufficient to determine the role of this variant in disease. Therefore, it has been classified as a Variant of Uncertain Significance.

NM_001363711.2(DUOX2):c.258C>G (p.Asn86Lys)

Gene: DUOX2 (dual oxidase 2; minus strand). Cytogenetic location: 15q21.1.
Variant type: single nucleotide variant.
Coding change: c.258C>G on transcript NM_001363711.2 (MANE Select); coding-DNA position 258, C replaced by G.
Protein change: p.Asn86Lys; replaces asparagine 86 with lysine.
Molecular consequence: missense variant.
Genome position (GRCh38, 1-based): chr15:45,112,621, G>C on the plus strand (C>G on the coding strand, the complement: DUOX2 is on the minus strand). VCF-style: chr15-45112621-G-C. GRCh37 (hg19) VCF-style: chr15-45404819-G-C.
Other names: c.258C>G, p.Asn86Lys (NM_014080.5); short protein forms N86K.
Identifiers: ClinVar variation 3022543 (VCV003022543.3), dbSNP rs1320641784, ClinGen allele CA392279672.